The following is an entry in ClinVar:

ClinVar aggregate classification (germline): Conflicting classifications of pathogenicity. Review status: criteria provided, conflicting classifications (1 of 4 stars). 2 submissions from 2 submitters: Uncertain significance (1); Likely benign (1). Last evaluated 2025-07-03.

Allele frequency attached by ClinVar (database versions not stated): ESP Exome Variant Server 0.00025; ExAC 0.00029; 1000 Genomes Project 30x 0.00031; 1000 Genomes Project 0.00040.
gnomAD v4.1: 234 of 1,613,956 alleles (0.014%); highest among the groups gnomAD compares: South Asian, 0.041%; 4 homozygotes.

Submissions (2):

Ambry Genetics
Classification: Uncertain significance. Last evaluated: 2025-07-03. Review status: criteria provided, single submitter. Criteria: Ambry Variant Classification Scheme 2023. Collection method: clinical testing. Allele origin: germline.

CeGaT Center for Human Genetics Tuebingen
Classification: Likely benign. Last evaluated: 2025-04-01. Review status: criteria provided, single submitter. Criteria: CeGaT Center For Human Genetics Tuebingen Variant Classification Criteria Version 2. Collection method: clinical testing. Allele origin: germline. Affected: yes. Observed: 2 variant alleles.
Comment: CNTN4: PP3, BS2

NM_175607.3(CNTN4):c.526A>G (p.Thr176Ala)

Gene: CNTN4 (contactin 4; plus strand). Cytogenetic location: 3p26.2.
Variant type: single nucleotide variant.
Coding change: c.526A>G on transcript NM_175607.3 (MANE Select); coding-DNA position 526, A replaced by G.
Protein change: p.Thr176Ala; replaces threonine 176 with alanine.
Molecular consequence: missense variant.
Genome position (GRCh38, 1-based): chr3:2,866,823, A>G. VCF-style: chr3-2866823-A-G. GRCh37 (hg19) VCF-style: chr3-2908507-A-G.
Other names: c.526A>G, p.Thr176Ala (NM_001206955.2, NM_001350095.2); short protein forms T176A.
Identifiers: ClinVar variation 2593195 (VCV002593195.27), dbSNP rs200414214, ClinGen allele CA2227069.